The following is an entry in ClinVar:

NM_001367624.2(ZNF469):c.8502T>C (p.Pro2834=)

Gene: ZNF469 (zinc finger protein 469; plus strand). Cytogenetic location: 16q24.2.
Variant type: single nucleotide variant.
Coding change: c.8502T>C on transcript NM_001367624.2 (MANE Select); coding-DNA position 8502, T replaced by C.
Protein change: p.Pro2834=; no amino-acid change (proline 2834 retained).
Molecular consequence: synonymous variant.
Genome position (GRCh38, 1-based): chr16:88,435,972, T>C. VCF-style: chr16-88435972-T-C. GRCh37 (hg19) VCF-style: chr16-88502380-T-C.
Other names: p.Pro2834=.
Identifiers: ClinVar variation 4684125 (VCV004684125.1).

ClinVar aggregate classification (germline): Likely benign (1 of 4 stars; one submission).

gnomAD v4.1: 5 of 1,549,484 alleles (0.00032%); highest among the groups gnomAD compares: African/African-American, 0.0068%; no homozygotes.

Submission:

Mayo Clinic Laboratories, Mayo Clinic
Classification: Likely benign. Last evaluated: 2025-07-30. Review status: criteria provided, single submitter. Criteria: ACMG Guidelines, 2015. Collection method: clinical testing. Allele origin: germline. Observed: 1 variant allele.
Comment: BP4, BP7